The following is an entry in ClinVar:

NM_003640.5(ELP1):c.3425G>A (p.Arg1142Gln)

Gene: ELP1 (elongator acetyltransferase complex subunit 1; minus strand). Cytogenetic location: 9q31.3.
Variant type: single nucleotide variant.
Coding change: c.3425G>A on transcript NM_003640.5 (MANE Select); coding-DNA position 3425, G replaced by A.
Protein change: p.Arg1142Gln; replaces arginine 1142 with glutamine.
Molecular consequence: missense variant.
Genome position (GRCh38, 1-based): chr9:108,880,087, C>T on the plus strand (G>A on the coding strand, the complement: ELP1 is on the minus strand). VCF-style: chr9-108880087-C-T. GRCh37 (hg19) VCF-style: chr9-111642367-C-T.
Other names: c.3083G>A, p.Arg1028Gln (NM_001318360.2); c.2378G>A, p.Arg793Gln (NM_001330749.2); short protein forms R1142Q, R793Q, R1028Q.
Identifiers: ClinVar variation 1496217 (VCV001496217.5), dbSNP rs746668947, ClinGen allele CA5174312.

ClinVar aggregate classification (germline): Uncertain significance. Review status: criteria provided, multiple submitters, no conflicts (2 of 4 stars). 2 submissions from 2 submitters: Uncertain significance (2). Last evaluated 2022-06-14.

Allele frequency attached by ClinVar (database versions not stated): gnomAD 0.00001; TOPMed 0.00001; gnomAD exomes below 0.00001; ExAC 0.00001.
gnomAD v4.1: 7 of 1,613,958 alleles (0.00043%); highest among the groups gnomAD compares: East Asian, 0.0022%; no homozygotes.

Submissions (2):

Ambry Genetics
Classification: Uncertain significance. Last evaluated: 2022-06-14. Review status: criteria provided, single submitter. Criteria: Ambry Variant Classification Scheme 2023. Collection method: clinical testing. Allele origin: germline.
Comment: The p.R1142Q variant (also known as c.3425G>A), located in coding exon 31 of the IKBKAP gene, results from a G to A substitution at nucleotide position 3425. The arginine at codon 1142 is replaced by glutamine, an amino acid with highly similar properties. This amino acid position is conserved. In addition, the in silico prediction for this alteration is inconclusive. Since supporting evidence is limited at this time, the clinical significance of this alteration remains unclear.

Labcorp Genetics (formerly Invitae), Labcorp
Classification: Uncertain significance. Last evaluated: 2021-11-28. Review status: criteria provided, single submitter. Criteria: Invitae Variant Classification Sherloc (09022015). Collection method: clinical testing. Allele origin: germline.
Comment: This sequence change replaces arginine, which is basic and polar, with glutamine, which is neutral and polar, at codon 1142 of the ELP1 protein (p.Arg1142Gln). This variant is present in population databases (rs746668947, gnomAD 0.0009%). This variant has not been reported in the literature in individuals affected with ELP1-related conditions. Algorithms developed to predict the effect of missense changes on protein structure and function output the following: SIFT: "Deleterious"; PolyPhen-2: "Benign"; Align-GVGD: "Class C35". The glutamine amino acid residue is found in multiple mammalian species, which suggests that this missense change does not adversely affect protein function. In summary, the available evidence is currently insufficient to determine the role of this variant in disease. Therefore, it has been classified as a Variant of Uncertain Significance.